The following is an entry in ClinVar:

NM_003491.4(NAA10):c.430G>A (p.Ala144Thr)

Gene: NAA10 (N-alpha-acetyltransferase 10, NatA catalytic subunit; minus strand). Cytogenetic location: Xq28.
Variant type: single nucleotide variant.
Coding change: c.430G>A on transcript NM_003491.4 (MANE Select); coding-DNA position 430, G replaced by A.
Protein change: p.Ala144Thr; replaces alanine 144 with threonine.
Molecular consequence: missense variant.
Genome position (GRCh38, 1-based): chrX:153,930,804, C>T on the plus strand (G>A on the coding strand, the complement: NAA10 is on the minus strand). VCF-style: chrX-153930804-C-T. GRCh37 (hg19) VCF-style: chrX-153196257-C-T.
Other names: c.385G>A, p.Ala129Thr (NM_001256119.2); c.412G>A, p.Ala138Thr (NM_001256120.2); short protein forms A129T, A138T, A144T.
Identifiers: ClinVar variation 983066 (VCV000983066.2), dbSNP rs2065162376, ClinGen allele CA415157774.
Genomic context (GRCh38, chrX:153,930,804, plus strand): 5'-GCTTCATGCAGGCGCTTACCTCGTCGGCCATCTGAGTGAGGTCCCGCTTCATGGCATAGG[C>T]GTCCTCCCCATCTGCATAGTATTTGGGCTCCACTTCACTGATCCTGGGGGCAGAGGGTTA-3'
Protein context (NP_003482.1, residues 134-154): EPKYYADGED[Ala144Thr]YAMKRDLTQM

ClinVar aggregate classification (germline): Likely benign (1 of 4 stars; one submission).

Conditions:
Ogden syndrome (OGDNS). Also called: N-TERMINAL ACETYLTRANSFERASE DEFICIENCY. Identifiers: Orphanet 276432, MedGen C3275447, MONDO:0010457, OMIM 300855.

Allele frequency attached by ClinVar (database versions not stated): gnomAD exomes below 0.00001.

Submission:

Institute of Human Genetics, University of Leipzig Medical Center
Classification: Likely benign for Ogden syndrome. Last evaluated: 2025-06-23. Review status: criteria provided, single submitter. Criteria: ACMG Guidelines, 2015. Collection method: clinical testing. Allele origin: unknown. Inheritance: X-linked dominant inheritance. Affected: yes.
Comment: Criteria applied: BP5